The following is an entry in ClinVar:

NM_052867.4(NALCN):c.3274A>G (p.Asn1092Asp)

Gene: NALCN (sodium leak channel, non-selective; minus strand). Cytogenetic location: 13q32.3.
Variant type: single nucleotide variant.
Coding change: c.3274A>G on transcript NM_052867.4 (MANE Select); coding-DNA position 3274, A replaced by G.
Protein change: p.Asn1092Asp; replaces asparagine 1092 with aspartic acid.
Molecular consequence: missense variant.
Genome position (GRCh38, 1-based): chr13:101,089,962, T>C on the plus strand (A>G on the coding strand, the complement: NALCN is on the minus strand). VCF-style: chr13-101089962-T-C. GRCh37 (hg19) VCF-style: chr13-101742313-T-C.
Other names: c.3361A>G, p.Asn1121Asp (NM_001350748.2); c.3274A>G, p.Asn1092Asp (NM_001350749.2); c.3187A>G, p.Asn1063Asp (NM_001350750.2, NM_001350751.2); short protein forms N1063D, N1092D, N1121D.
Identifiers: ClinVar variation 2843198 (VCV002843198.3), dbSNP rs1281805712, ClinGen allele CA388653311.

ClinVar aggregate classification (germline): Uncertain significance (1 of 4 stars; one submission).

Allele frequency attached by ClinVar (database versions not stated): gnomAD exomes below 0.00001; gnomAD 0.00001; TOPMed 0.00001.
gnomAD v4.1: 7 of 1,613,810 alleles (0.00043%); highest among the groups gnomAD compares: Non-Finnish European, 0.00059%; no homozygotes.

Submission:

Labcorp Genetics (formerly Invitae), Labcorp
Classification: Uncertain significance. Last evaluated: 2023-01-10. Review status: criteria provided, single submitter. Criteria: Invitae Variant Classification Sherloc (09022015). Collection method: clinical testing. Allele origin: germline.
Comment: In summary, the available evidence is currently insufficient to determine the role of this variant in disease. Therefore, it has been classified as a Variant of Uncertain Significance. Advanced modeling of protein sequence and biophysical properties (such as structural, functional, and spatial information, amino acid conservation, physicochemical variation, residue mobility, and thermodynamic stability) performed at Invitae indicates that this missense variant is expected to disrupt NALCN protein function. This variant has not been reported in the literature in individuals affected with NALCN-related conditions. This variant is present in population databases (no rsID available, gnomAD 0.002%). This sequence change replaces asparagine, which is neutral and polar, with aspartic acid, which is acidic and polar, at codon 1092 of the NALCN protein (p.Asn1092Asp).